The following is an entry in ClinVar:

NM_020831.6(MRTFA):c.2602C>T (p.Pro868Ser)

Gene: MRTFA (myocardin related transcription factor A; minus strand). Cytogenetic location: 22q13.1.
Variant type: single nucleotide variant.
Coding change: c.2602C>T on transcript NM_020831.6 (MANE Select); coding-DNA position 2602, C replaced by T.
Protein change: p.Pro868Ser; replaces proline 868 with serine.
Molecular consequence: missense variant.
Genome position (GRCh38, 1-based): chr22:40,411,884, G>A on the plus strand (C>T on the coding strand, the complement: MRTFA is on the minus strand). VCF-style: chr22-40411884-G-A. GRCh37 (hg19) VCF-style: chr22-40807888-G-A.
Other names: c.2302C>T, p.Pro768Ser (NM_001282660.2); c.2452C>T, p.Pro818Ser (NM_001282661.3); c.2612C>T, p.Ala871Val (NM_001282662.3); c.2407C>T, p.Pro803Ser (NM_001318139.2); short protein forms A871V, P818S, P868S, P803S, P768S.
Identifiers: ClinVar variation 4701160 (VCV004701160.1).

ClinVar aggregate classification (germline): Uncertain significance (1 of 4 stars; one submission).

gnomAD v4.1: 3 of 1,482,030 alleles (0.0002%); highest among the groups gnomAD compares: South Asian, 0.0029%; no homozygotes.

Submission:

Labcorp Genetics (formerly Invitae), Labcorp
Classification: Uncertain significance. Last evaluated: 2025-11-22. Review status: criteria provided, single submitter. Criteria: Invitae Variant Classification Sherloc (09022015). Collection method: clinical testing. Allele origin: germline.
Comment: This sequence change replaces proline, which is neutral and non-polar, with serine, which is neutral and polar, at codon 768 of the MKL1 protein (p.Pro768Ser). This variant is not present in population databases (gnomAD no frequency). This variant has not been reported in the literature in individuals affected with MKL1-related conditions. An algorithm developed to predict the effect of missense changes on protein structure and function outputs the following: PolyPhen-2: "Probably Damaging". The serine amino acid residue is found in multiple mammalian species, which suggests that this missense change does not adversely affect protein function. In summary, the available evidence is currently insufficient to determine the role of this variant in disease. Therefore, it has been classified as a Variant of Uncertain Significance.